The following is an entry in ClinVar:

ClinVar aggregate classification (germline): Uncertain significance (1 of 4 stars; one submission).

gnomAD v4.1: 13 of 1,614,204 alleles (0.00081%); highest among the groups gnomAD compares: South Asian, 0.0099%; no homozygotes.

Submission:

Women's Health and Genetics/Laboratory Corporation of America, LabCorp
Classification: Uncertain significance. Last evaluated: 2024-08-08. Review status: criteria provided, single submitter. Criteria: LabCorp Variant Classification Summary - May 2015. Collection method: clinical testing. Allele origin: germline.
Comment: Variant summary: COL7A1 c.323G>A (p.Arg108His) results in a non-conservative amino acid change located in the von Willebrand factor, type A domain (IPR002035) of the encoded protein sequence. Five of five in-silico tools predict a damaging effect of the variant on protein function. The variant allele was found at a frequency of 4e-06 in 251466 control chromosomes. The available data on variant occurrences in the general population are insufficient to allow any conclusion about variant significance. c.323G>A has been reported in the literature in individuals affected with Posterior Segment Uveitis, without strong evidence for causality (Li_2020). These report(s) do not provide unequivocal conclusions about association of the variant with Dystrophic Epidermolysis Bullosa, Recessive. To our knowledge, no experimental evidence demonstrating an impact on protein function has been reported. The following publication has been ascertained in the context of this evaluation (PMID: 32707200).No submitters have cited clinical-significance assessments for this variant to ClinVar. Based on the evidence outlined above, the variant was classified as uncertain significance.

Literature cited by the submitters: PubMed 32707200.

NM_000094.4(COL7A1):c.323G>A (p.Arg108His)

Gene: COL7A1 (collagen type VII alpha 1 chain; minus strand). Cytogenetic location: 3p21.31.
Variant type: single nucleotide variant.
Coding change: c.323G>A on transcript NM_000094.4 (MANE Select); coding-DNA position 323, G replaced by A.
Protein change: p.Arg108His; replaces arginine 108 with histidine.
Molecular consequence: missense variant.
Genome position (GRCh38, 1-based): chr3:48,593,640, C>T on the plus strand (G>A on the coding strand, the complement: COL7A1 is on the minus strand). VCF-style: chr3-48593640-C-T. GRCh37 (hg19) VCF-style: chr3-48631073-C-T.
Other names: short protein forms R108H.
Identifiers: ClinVar variation 3366403 (VCV003366403.1).